The following is an entry in ClinVar:

ClinVar aggregate classification (germline): Pathogenic/Likely pathogenic. Review status: criteria provided, multiple submitters, no conflicts (2 of 4 stars). 2 submissions from 2 submitters: Pathogenic (1); Likely pathogenic (1). Last evaluated 2023-09-25.

Conditions:
Hypertrophic cardiomyopathy. Also called: HYPERTROPHIC MYOCARDIOPATHY. Identifiers: Orphanet 217569, MedGen C0007194, MeSH D002312, MONDO:0005045, HP:0001639.

Submissions (2):

Labcorp Genetics (formerly Invitae), Labcorp
Classification: Pathogenic for Hypertrophic cardiomyopathy. Last evaluated: 2023-09-25. Review status: criteria provided, single submitter. Criteria: Invitae Variant Classification Sherloc (09022015). Collection method: clinical testing. Allele origin: germline.
Comment: ClinVar contains an entry for this variant (Variation ID: 694564). This variant has not been reported in the literature in individuals affected with MYBPC3-related conditions. This variant is not present in population databases (gnomAD no frequency). This sequence change creates a premature translational stop signal (p.Gln1004Glyfs*46) in the MYBPC3 gene. It is expected to result in an absent or disrupted protein product. Loss-of-function variants in MYBPC3 are known to be pathogenic (PMID: 19574547). For these reasons, this variant has been classified as Pathogenic.

Genetics and Genomics Program, Sidra Medicine
Classification: Likely pathogenic for Hypertrophic cardiomyopathy. Review status: criteria provided, single submitter. Criteria: ACMG Guidelines, 2015. Collection method: research. Allele origin: unknown. Affected: yes. Observed: 1 variant allele.

Literature cited by the submitters: PubMed 19574547 (cited by Labcorp Genetics (formerly Invitae), Labcorp).

NM_000256.3(MYBPC3):c.3009_3010del (p.Gln1004fs)

Gene: MYBPC3 (myosin binding protein C3; minus strand). Cytogenetic location: 11p11.2.
Variant type: Deletion.
Coding change: c.3009_3010del on transcript NM_000256.3 (MANE Select); coding-DNA positions 3009 to 3010, 2 bases deleted (TC; older notation c.3009_3010delTC).
Protein change: p.Gln1004fs; shifts the reading frame from glutamine 1004.
Molecular consequence: frameshift variant.
Genome position (GRCh38, 1-based): chr11:47,333,737-47,333,738, GA deleted on the plus strand (TC on the coding strand, the reverse complement: MYBPC3 is on the minus strand); deleting any 2 consecutive bases within chr11:47,333,737-47,333,739 gives the same sequence; the c. name uses the placement nearest the transcript's 3' end. VCF-style (leftmost placement, unchanged base first): chr11-47333736-TGA-T. GRCh37 (hg19) VCF-style: chr11-47355287-TGA-T.
Other names: short protein forms Q1004fs.
Identifiers: ClinVar variation 694564 (VCV000694564.9), dbSNP rs2095879705, ClinGen allele CA1969335960.